The following is an entry in ClinVar:

NM_000059.4(BRCA2):c.172G>A (p.Glu58Lys)

Gene: BRCA2 (BRCA2 DNA repair associated; plus strand). Cytogenetic location: 13q13.1.
Variant type: single nucleotide variant.
Coding change: c.172G>A on transcript NM_000059.4 (MANE Select); coding-DNA position 172, G replaced by A.
Protein change: p.Glu58Lys; replaces glutamic acid 58 with lysine.
Molecular consequence: missense variant.
Genome position (GRCh38, 1-based): chr13:32,319,181, G>A. VCF-style: chr13-32319181-G-A. GRCh37 (hg19) VCF-style: chr13-32893318-G-A.
Other names: short protein forms E58K.
Identifiers: ClinVar variation 91755 (VCV000091755.31), dbSNP rs397507603, ClinGen allele CA013007.
Genomic context (GRCh38, chr13:32,319,181, plus strand): 5'-GAAGCTCCACCCTATAATTCTGAACCTGCAGAAGAATCTGAACATAAAAACAACAATTAC[G>A]AACCAAACCTATTTAAAACTCCACAAAGGAAACCATCTTATAATCAGCTGGCTTCAACTC-3'
Protein context (NP_000050.3, residues 48-68): EESEHKNNNY[Glu58Lys]PNLFKTPQRK

ClinVar aggregate classification (germline): Conflicting classifications of pathogenicity. Review status: criteria provided, conflicting classifications (1 of 4 stars). 11 submissions from 11 submitters: Uncertain significance (6); Likely benign (2). 3 of the submissions do not count toward it. Last evaluated 2026-01-21.

Conditions:
Hereditary breast ovarian cancer syndrome. Also called: Breast and ovarian cancer; Hereditary breast and ovarian cancer; Hereditary breast and ovarian cancer syndrome; BRCA1- and BRCA2-Associated Hereditary Breast and Ovarian Cancer; Hereditary breast and ovarian cancer syndrome (HBOC); Hereditary breast and/or ovarian cancer syndrome. Identifiers: Orphanet 145, MedGen C0677776, MeSH D061325, MONDO:0003582. Disease mechanism: loss of function.
Familial cancer of breast. Also called: BREAST CANCER, FAMILIAL; hereditary breast carcinoma; Hereditary breast cancer. Identifiers: Orphanet 227535, MedGen C0346153, MONDO:0016419, OMIM 114480. Disease mechanism: loss of function.
BRCA2-related cancer predisposition. Identifiers: MedGen CN377758, MONDO:0700269.
Hereditary cancer-predisposing syndrome. Also called: Tumor predisposition; Hereditary Cancer Syndrome; Neoplastic Syndromes, Hereditary; Hereditary neoplastic syndrome. Identifiers: Orphanet 140162, MedGen C0027672, MeSH D009386, MONDO:0015356.
Breast-ovarian cancer, familial, susceptibility to, 2 (BROVCA2). Also called: BRCA2 Hereditary Breast and Ovarian Cancer. Identifiers: Orphanet 145, MedGen C2675520, MONDO:0012933, OMIM 612555. Disease mechanism: loss of function.

Allele frequency attached by ClinVar (database versions not stated): ExAC 0.00002; gnomAD 0.00002; gnomAD exomes 0.00002 and 0.00003; TOPMed 0.00004.
gnomAD v4.1: 25 of 1,613,746 alleles (0.0015%); highest among the groups gnomAD compares: Middle Eastern, 0.016%; no homozygotes.

Submissions (11):

Labcorp Genetics (formerly Invitae), Labcorp
Classification: Uncertain significance for Hereditary breast ovarian cancer syndrome. Last evaluated: 2026-01-21. Review status: criteria provided, single submitter. Criteria: Invitae Variant Classification Sherloc (09022015). Collection method: clinical testing. Allele origin: germline.
Comment: This sequence change replaces glutamic acid, which is acidic and polar, with lysine, which is basic and polar, at codon 58 of the BRCA2 protein (p.Glu58Lys). This variant is present in population databases (rs397507603, gnomAD 0.01%). This missense change has been observed in individual(s) with breast cancer and/or prostate cancer (PMID: 26287763, 31214711, 35264596, 36243179). This variant is also known as c.400G>A. ClinVar contains an entry for this variant (Variation ID: 91755). Invitae Evidence Modeling of protein sequence and biophysical properties (such as structural, functional, and spatial information, amino acid conservation, physicochemical variation, residue mobility, and thermodynamic stability) indicates that this missense variant is not expected to disrupt BRCA2 protein function with a negative predictive value of 95%. In summary, the available evidence is currently insufficient to determine the role of this variant in disease. Therefore, it has been classified as a Variant of Uncertain Significance.

Color Diagnostics, LLC DBA Color Health
Classification: Likely benign for Hereditary cancer-predisposing syndrome. Last evaluated: 2025-09-17. Review status: criteria provided, single submitter. Criteria: ACMG Guidelines, 2015. Collection method: clinical testing. Allele origin: germline.

Quest Diagnostics Nichols Institute San Juan Capistrano
Classification: Uncertain significance. Last evaluated: 2024-12-27. Review status: criteria provided, single submitter. Criteria: Quest Diagnostics criteria. Collection method: clinical testing. Allele origin: unknown.
Comment: The BRCA2 c.172G>A (p.Glu58Lys) variant has been reported in the published literature in individuals with breast cancer (PMID: 35264596 (2022), Pakistan J. Zool., vol. 51(4), pp 1579-1582, 2019, 26287763 (2015)), prostate cancer (PMID: 31214711 (2020)), a personal and/or family history of cancer (PMID: 31853058 (2020)), a personal and/or family history of breast and/or ovarian cancer (PMID: 38160042 (2024)), and reportedly healthy individuals (PMID: 36243179 (2022)). In a large scale breast cancer association study, this variant has been observed in breast cancer cases and reportedly healthy individuals (PMID: 33471991 (2021), see also LOVD). Assessment of experimental evidence regarding the effect of this variant on protein function suggests it has no effect relevant to disease (PMID: 37713444 (2024)). The frequency of this variant in the general population (Genome Aggregation Database) is uninformative in the assessment of its pathogenicity. Analysis of this variant using bioinformatics tools for the prediction of the effect of amino acid changes on protein structure and function yielded conflicting predictions that this variant is benign or damaging. Based on the available information, we are unable to determine the clinical significance of this variant.

All of Us Research Program, National Institutes of Health
Classification: Uncertain significance for BRCA2-related cancer predisposition. Last evaluated: 2024-06-11. Review status: criteria provided, single submitter. Criteria: ACMG Guidelines, 2015. Collection method: clinical testing. Allele origin: germline. Inheritance: Autosomal dominant inheritance. Observed: 4 variant alleles, 4 heterozygotes.
Comment: This missense variant replaces glutamic acid with lysine at codon 58 of the BRCA2 protein. Computational prediction suggests that this variant may not impact protein structure and function (internally defined REVEL score threshold <= 0.5, PMID: 27666373). To our knowledge, functional studies have not been reported for this variant. This variant has been reported in one individual each affected with breast cancer and prostate cancer and in an unaffected individual (PMID: 31214711, 33471991; Leiden Open Variation Database DB-ID BRCA2_007230). This variant has been identified in 7/251326 chromosomes in the general population by the Genome Aggregation Database (gnomAD). The available evidence is insufficient to determine the role of this variant in disease conclusively. Therefore, this variant is classified as a Variant of Uncertain Significance.

This study involves interpretation of variants in research participants for the purpose of population health screening. Participant phenotype was not available at the time of variant classification. Additional details can be found in publication PMID: 35346344, PMCID: PMC8962531

Baylor Genetics
Classification: Uncertain significance for Familial cancer of breast. Last evaluated: 2024-01-24. Review status: criteria provided, single submitter. Criteria: ACMG Guidelines, 2015. Collection method: clinical testing. Allele origin: unknown.

Women's Health and Genetics/Laboratory Corporation of America, LabCorp
Classification: Uncertain significance. Last evaluated: 2022-01-23. Review status: criteria provided, single submitter. Criteria: LabCorp Variant Classification Summary - May 2015. Collection method: clinical testing. Allele origin: germline.
Comment: Variant summary: BRCA2 c.172G>A (p.Glu58Lys) results in a conservative amino acid change in the encoded protein sequence. Four of five in-silico tools predict a benign effect of the variant on protein function. The variant allele was found at a frequency of 2.8e-05 in 251326 control chromosomes. The available data on variant occurrences in the general population are insufficient to allow any conclusion about variant significance. c.172G>A has been reported in the literature as a VUS suspected to be benign in a study of women with breast cancer (example, Pal_2015). These report(s) do not provide unequivocal conclusions about association of the variant with Hereditary Breast And Ovarian Cancer Syndrome. To our knowledge, no experimental evidence demonstrating an impact on protein function has been reported. Seven clinical diagnostic laboratories have submitted clinical-significance assessments for this variant to ClinVar after 2014 without evidence for independent evaluation. All laboratories classified the variant as uncertain significance. Based on the evidence outlined above, the variant was classified as uncertain significance.

Ambry Genetics
Classification: Likely benign for Hereditary cancer-predisposing syndrome. Last evaluated: 2021-08-09. Review status: criteria provided, single submitter. Criteria: Ambry Variant Classification Scheme 2023. Collection method: clinical testing. Allele origin: germline.

Mendelics
Classification: Uncertain significance for Breast-ovarian cancer, familial, susceptibility to, 2. Last evaluated: 2019-05-28. Review status: criteria provided, single submitter. Criteria: Mendelics Assertion Criteria 2017. Collection method: clinical testing. Allele origin: unknown.

Department of Medical and Surgical Sciences, University of Bologna
Classification: Likely benign for Breast-ovarian cancer, familial, susceptibility to, 2. Last evaluated: 2023-09-01. Review status: no assertion criteria provided. Collection method: clinical testing. Allele origin: germline. Affected: yes. Not counted in ClinVar's aggregate classification.
Comment: BS1(Supporting)+BP1(Strong)+BP5(Supporting) according to ACMG/AMP classification guidelines specified for BRCA1 & BRCA2 (Classification Criteria V1.0.0 2023-09-08) (PMID: 38160042)

Counsyl
Classification: Uncertain significance for Breast-ovarian cancer, familial, susceptibility to, 2. Last evaluated: 2016-07-12. Review status: no assertion criteria provided. Collection method: clinical testing. Allele origin: unknown. Not counted in ClinVar's aggregate classification.

Sharing Clinical Reports Project (SCRP)
Classification: Uncertain significance for Breast-ovarian cancer, familial 2. Last evaluated: 2012-01-24. Review status: no assertion criteria provided. Collection method: clinical testing. Allele origin: germline. Not counted in ClinVar's aggregate classification.

Literature cited by the submitters: PubMed 26287763 (cited by 3 submitters); PubMed 31214711 (cited by 3 submitters); PubMed 35264596 (cited by Labcorp Genetics (formerly Invitae), Labcorp and Quest Diagnostics Nichols Institute San Juan Capistrano); PubMed 36243179 (cited by Labcorp Genetics (formerly Invitae), Labcorp and Quest Diagnostics Nichols Institute San Juan Capistrano); PubMed 33471991 (cited by Quest Diagnostics Nichols Institute San Juan Capistrano and All of Us Research Program, National Institutes of Health); PubMed 37713444 (cited by Quest Diagnostics Nichols Institute San Juan Capistrano); PubMed 38160042 (cited by Quest Diagnostics Nichols Institute San Juan Capistrano); PubMed 31853058 (cited by Quest Diagnostics Nichols Institute San Juan Capistrano); PubMed 31780705 (cited by Quest Diagnostics Nichols Institute San Juan Capistrano).